The following is an entry in ClinVar:

ClinVar aggregate classification (germline): Uncertain significance (1 of 4 stars; one submission).

Conditions:
Familial cold autoinflammatory syndrome 2 (FCAS2). Identifiers: Orphanet 247868, MedGen C2673198, MONDO:0012724, OMIM 611762.

Submission:

Labcorp Genetics (formerly Invitae), Labcorp
Classification: Uncertain significance for Familial cold autoinflammatory syndrome 2. Last evaluated: 2025-03-07. Review status: criteria provided, single submitter. Criteria: Invitae Variant Classification Sherloc (09022015). Collection method: clinical testing. Allele origin: germline.
Comment: This sequence change falls in intron 9 of the NLRP12 gene. It does not directly change the encoded amino acid sequence of the NLRP12 protein. This variant is not present in population databases (gnomAD no frequency). This variant has not been reported in the literature in individuals affected with NLRP12-related conditions. Algorithms developed to predict the effect of sequence changes on RNA splicing suggest that this variant may disrupt the consensus splice site. In summary, the available evidence is currently insufficient to determine the role of this variant in disease. Therefore, it has been classified as a Variant of Uncertain Significance.

NM_144687.4(NLRP12):c.3099-13_3099-10del

Gene: NLRP12 (NLR family pyrin domain containing 12; minus strand). Cytogenetic location: 19q13.42.
Variant type: Deletion.
Coding change: c.3099-13_3099-10del on transcript NM_144687.4 (MANE Select); 13 bases into the intron before coding-DNA position 3099 through 10 bases into the intron before coding-DNA position 3099, 4 bases deleted (CTTG; older notation c.3099-13_3099-10delCTTG).
Molecular consequence: intron variant.
Genome position (GRCh38, 1-based): chr19:53,794,146-53,794,149, CAAG deleted on the plus strand (CTTG on the coding strand, the reverse complement: NLRP12 is on the minus strand). VCF-style (leftmost placement, unchanged base first): chr19-53794145-ACAAG-A. GRCh37 (hg19) VCF-style: chr19-54297399-ACAAG-A.
Other names: c.2928-13_2928-10del (NM_001277129.1); c.3102-13_3102-10del (NM_001277126.2).
Identifiers: ClinVar variation 4714596 (VCV004714596.1).
Genomic context (GRCh38, chr19:53,794,145, plus strand): 5'-AAGCGCTGCCAACCTACTGTGGGTCATTTTATTCAGGTCCATCCCAAATAACCTGTGGAC[ACAAG>A]AGTTGATATTATTCCAGTGTACTACTGTGGCATTCAATTAATAAGCCTTAAGTATCTATT-3'